The following is an entry in ClinVar:

ClinVar aggregate classification (germline): Uncertain significance (1 of 4 stars; one submission).

Conditions:
Hereditary cancer-predisposing syndrome. Also called: Tumor predisposition; Neoplastic Syndromes, Hereditary; Hereditary Cancer Syndrome; Hereditary neoplastic syndrome. Identifiers: Orphanet 140162, MedGen C0027672, MeSH D009386, MONDO:0015356.

gnomAD v4.1: 1 of 1,613,996 alleles (0.000062%); highest among the groups gnomAD compares: African/African-American, 0.0013%; no homozygotes.

Submission:

Ambry Genetics
Classification: Uncertain significance for Hereditary cancer-predisposing syndrome. Last evaluated: 2024-10-28. Review status: criteria provided, single submitter. Criteria: Ambry Variant Classification Scheme 2023. Collection method: clinical testing. Allele origin: germline.
Comment: The p.D345H variant (also known as c.1033G>C), located in coding exon 9 of the BRCA1 gene, results from a G to C substitution at nucleotide position 1033. The aspartic acid at codon 345 is replaced by histidine, an amino acid with similar properties. This amino acid position is conserved. In addition, the in silico prediction for this alteration is inconclusive. Based on the available evidence, the clinical significance of this variant remains unclear.

NM_007294.4(BRCA1):c.1033G>C (p.Asp345His)

Gene: BRCA1 (BRCA1 DNA repair associated; minus strand). Cytogenetic location: 17q21.31.
Variant type: single nucleotide variant.
Coding change: c.1033G>C on transcript NM_007294.4 (MANE Select); coding-DNA position 1033, G replaced by C.
Protein change: p.Asp345His; replaces aspartic acid 345 with histidine.
Molecular consequence: missense variant. On other transcripts: intron variant (137).
Genome position (GRCh38, 1-based): chr17:43,094,498, C>G on the plus strand (G>C on the coding strand, the complement: BRCA1 is on the minus strand). VCF-style: chr17-43094498-C-G. GRCh37 (hg19) VCF-style: chr17-41246515-C-G.
Other names: c.769G>C, p.Asp257His (NM_001407921.1, NM_001407922.1, NM_001407923.1 and 9 more transcripts); c.1033G>C, p.Asp345His (NM_001407620.1, NM_001407621.1, NM_001407622.1 and 30 more transcripts); c.1030G>C, p.Asp344His (NM_001407627.1, NM_001407628.1, NM_001407629.1 and 22 more transcripts); c.1024G>C, p.Asp342His (NM_001407646.1, NM_001407647.1); c.910G>C, p.Asp304His (NM_001407648.1, NM_001407664.1, NM_001407665.1 and 19 more transcripts); c.907G>C, p.Asp303His (NM_001407649.1, NM_001407670.1, NM_001407671.1 and 11 more transcripts); c.955G>C, p.Asp319His (NM_001407653.1, NM_001407654.1, NM_001407655.1 and 4 more transcripts); c.952G>C, p.Asp318His (NM_001407659.1, NM_001407660.1, NM_001407661.1 and 1 more transcripts); and 40 more; short protein forms D234H, D274H, D304H, D49H, D256H, D257H, D297H, D344H.
Identifiers: ClinVar variation 3481883 (VCV003481883.1).